The following is an entry in ClinVar:

ClinVar aggregate classification (germline): Uncertain significance. Review status: criteria provided, multiple submitters, no conflicts (2 of 4 stars). 2 submissions from 2 submitters: Uncertain significance (2). Last evaluated 2024-03-07.

Allele frequency attached by ClinVar (database versions not stated): TOPMed below 0.00001; ExAC 0.00001; gnomAD exomes 0.00001.
gnomAD v4.1: 3 of 1,613,504 alleles (0.00019%); highest among the groups gnomAD compares: Non-Finnish European, 0.00025%; no homozygotes.

Submissions (2):

Labcorp Genetics (formerly Invitae), Labcorp
Classification: Uncertain significance. Last evaluated: 2024-03-07. Review status: criteria provided, single submitter. Criteria: Invitae Variant Classification Sherloc (09022015). Collection method: clinical testing. Allele origin: germline.
Comment: This sequence change replaces tyrosine, which is neutral and polar, with cysteine, which is neutral and slightly polar, at codon 314 of the EFTUD2 protein (p.Tyr314Cys). This variant is present in population databases (rs757956953, gnomAD 0.0009%). This variant has not been reported in the literature in individuals affected with EFTUD2-related conditions. ClinVar contains an entry for this variant (Variation ID: 1710885). Advanced modeling of protein sequence and biophysical properties (such as structural, functional, and spatial information, amino acid conservation, physicochemical variation, residue mobility, and thermodynamic stability) performed at Invitae indicates that this missense variant is expected to disrupt EFTUD2 protein function with a positive predictive value of 80%. In summary, the available evidence is currently insufficient to determine the role of this variant in disease. Therefore, it has been classified as a Variant of Uncertain Significance.

GeneDx
Classification: Uncertain significance. Last evaluated: 2022-04-11. Review status: criteria provided, single submitter. Criteria: GeneDx Variant Classification Process June 2021. Collection method: clinical testing. Allele origin: germline. Affected: yes.
Comment: In silico analysis supports that this missense variant has a deleterious effect on protein structure/function; Has not been previously published as pathogenic or benign to our knowledge

NM_004247.4(EFTUD2):c.941A>G (p.Tyr314Cys)

Gene: EFTUD2 (elongation factor Tu GTP binding domain containing 2; minus strand). Cytogenetic location: 17q21.31.
Variant type: single nucleotide variant.
Coding change: c.941A>G on transcript NM_004247.4 (MANE Select); coding-DNA position 941, A replaced by G.
Protein change: p.Tyr314Cys; replaces tyrosine 314 with cysteine.
Molecular consequence: missense variant.
Genome position (GRCh38, 1-based): chr17:44,872,499, T>C on the plus strand (A>G on the coding strand, the complement: EFTUD2 is on the minus strand). VCF-style: chr17-44872499-T-C. GRCh37 (hg19) VCF-style: chr17-42949867-T-C.
Other names: c.836A>G, p.Tyr279Cys (NM_001142605.2); c.941A>G, p.Tyr314Cys (NM_001258353.2); c.911A>G, p.Tyr304Cys (NM_001258354.2); short protein forms Y279C, Y304C, Y314C.
Identifiers: ClinVar variation 1710885 (VCV001710885.4), dbSNP rs757956953, ClinGen allele CA8607946.